The following is an entry in ClinVar:

NM_003235.5(TG):c.2360G>A (p.Arg787Gln)

Gene: TG (thyroglobulin; plus strand). Cytogenetic location: 8q24.22.
Variant type: single nucleotide variant.
Coding change: c.2360G>A on transcript NM_003235.5 (MANE Select); coding-DNA position 2360, G replaced by A.
Protein change: p.Arg787Gln; replaces arginine 787 with glutamine.
Molecular consequence: missense variant.
Genome position (GRCh38, 1-based): chr8:132,888,167, G>A. VCF-style: chr8-132888167-G-A. GRCh37 (hg19) VCF-style: chr8-133900412-G-A.
Other names: short protein forms R787Q.
Identifiers: ClinVar variation 3366713 (VCV003366713.1).

ClinVar aggregate classification (germline): Uncertain significance (1 of 4 stars; one submission).

gnomAD v4.1: 12 of 1,614,134 alleles (0.00074%); highest among the groups gnomAD compares: East Asian, 0.0089%; no homozygotes.

Submission:

Women's Health and Genetics/Laboratory Corporation of America, LabCorp
Classification: Uncertain significance. Last evaluated: 2024-08-20. Review status: criteria provided, single submitter. Criteria: LabCorp Variant Classification Summary - May 2015. Collection method: clinical testing. Allele origin: germline.
Comment: Variant summary: TG c.2360G>A (p.Arg787Gln) results in a conservative amino acid change located in the Thyroglobulin type-1 (IPR000716) of the encoded protein sequence. Five of five in-silico tools predict a benign effect of the variant on protein function. The variant allele was found at a frequency of 3.2e-05 in 251098 control chromosomes. The available data on variant occurrences in the general population are insufficient to allow any conclusion about variant significance. c.2360G>A has been reported in the literature in the context of newborn screen of TG-Related Disorders (Zhou_2023). These report(s) do not provide unequivocal conclusions about association of the variant with TG-Related Disorders. To our knowledge, no experimental evidence demonstrating an impact on protein function has been reported. The following publication have been ascertained in the context of this evaluation (PMID: 38105685). No submitters have cited clinical-significance assessments for this variant to ClinVar. Based on the evidence outlined above, the variant was classified as uncertain significance.

Literature cited by the submitters: PubMed 38105685.